The following is an entry in ClinVar:

ClinVar aggregate classification (germline): Uncertain significance. Review status: criteria provided, multiple submitters, no conflicts (2 of 4 stars). 3 submissions from 3 submitters: Uncertain significance (3). Last evaluated 2025-04-03.

Conditions:
Hereditary cancer-predisposing syndrome. Also called: Neoplastic Syndromes, Hereditary; Hereditary Cancer Syndrome; Tumor predisposition; Hereditary neoplastic syndrome. Identifiers: Orphanet 140162, MedGen C0027672, MeSH D009386, MONDO:0015356.
Ataxia-telangiectasia syndrome (AT). Also called: LOUIS-BAR SYNDROME; Cerebello-oculocutaneous telangiectasia; Immunodeficiency with ataxia telangiectasia; Ataxia-telangiectasia, complementation group D; AT, COMPLEMENTATION GROUP C; Ataxia-telangiectasia, complementation group E. Identifiers: Orphanet 100, MedGen C0004135, MONDO:0008840, OMIM 208900.

gnomAD v4.1: 2 of 1,614,248 alleles (0.00012%); highest among the groups gnomAD compares: Non-Finnish European, 0.00017%; no homozygotes.

Submissions (3):

Ambry Genetics
Classification: Uncertain significance for Hereditary cancer-predisposing syndrome. Last evaluated: 2025-04-03. Review status: criteria provided, single submitter. Criteria: Ambry Variant Classification Scheme 2023. Collection method: clinical testing. Allele origin: germline.
Comment: The p.S3027R variant (also known as c.9079A>C), located in coding exon 62 of the ATM gene, results from an A to C substitution at nucleotide position 9079. The serine at codon 3027 is replaced by arginine, an amino acid with dissimilar properties. This amino acid position is highly conserved in available vertebrate species. In addition, this alteration is predicted to be deleterious by in silico analysis. Based on the available evidence, the clinical significance of this variant remains unclear.

Color Diagnostics, LLC DBA Color Health
Classification: Uncertain significance for Hereditary cancer-predisposing syndrome. Last evaluated: 2023-12-08. Review status: criteria provided, single submitter. Criteria: ACMG Guidelines, 2015. Collection method: clinical testing. Allele origin: germline.
Comment: This missense variant replaces serine with arginine at codon 3027 of the ATM protein. Computational prediction suggests that this variant may have deleterious impact on protein structure and function. To our knowledge, functional studies have not been reported for this variant. This variant has not been reported in individuals affected with ATM-related disorders in the literature. This variant has not been identified in the general population by the Genome Aggregation Database (gnomAD). The available evidence is insufficient to determine the role of this variant in disease conclusively. Therefore, this variant is classified as a Variant of Uncertain Significance.

Labcorp Genetics (formerly Invitae), Labcorp
Classification: Uncertain significance for Ataxia-telangiectasia syndrome. Last evaluated: 2023-04-22. Review status: criteria provided, single submitter. Criteria: Invitae Variant Classification Sherloc (09022015). Collection method: clinical testing. Allele origin: germline.
Comment: In summary, the available evidence is currently insufficient to determine the role of this variant in disease. Therefore, it has been classified as a Variant of Uncertain Significance. An algorithm developed to predict the effect of missense changes on protein structure and function (PolyPhen-2) suggests that this variant is likely to be disruptive. ClinVar contains an entry for this variant (Variation ID: 453763). This variant has not been reported in the literature in individuals affected with ATM-related conditions. This variant is not present in population databases (gnomAD no frequency). This sequence change replaces serine, which is neutral and polar, with arginine, which is basic and polar, at codon 3027 of the ATM protein (p.Ser3027Arg).

NM_000051.4(ATM):c.9079A>C (p.Ser3027Arg)

Genes: ATM (ATM serine/threonine kinase; plus strand), C11orf65 (chromosome 11 open reading frame 65; minus strand). Cytogenetic location: 11q22.3.
Variant type: single nucleotide variant.
Coding change: c.9079A>C on transcript NM_000051.4 (MANE Select); coding-DNA position 9079, A replaced by C.
Protein change: p.Ser3027Arg; replaces serine 3027 with arginine.
Molecular consequence: missense variant. On other transcripts: intron variant (2).
Genome position (GRCh38, 1-based): chr11:108,365,416, A>C. VCF-style: chr11-108365416-A-C. GRCh37 (hg19) VCF-style: chr11-108236143-A-C.
Other names: c.9079A>C, p.Ser3027Arg (NM_001351834.2); c.640+20504T>G (NM_001330368.2); c.694+20504T>G (NM_001351110.2); short protein forms S3027R.
Identifiers: ClinVar variation 453763 (VCV000453763.15), dbSNP rs763152094, ClinGen allele CA382531756.